The following is an entry in ClinVar:

ClinVar aggregate classification (germline): Pathogenic (1 of 4 stars; one submission).

Conditions:
Anauxetic dysplasia. Identifiers: Orphanet 93347, MedGen C1846796, MONDO:0011773.

Submission:

Labcorp Genetics (formerly Invitae), Labcorp
Classification: Pathogenic for Anauxetic dysplasia. Last evaluated: 2023-06-14. Review status: criteria provided, single submitter. Criteria: Invitae Variant Classification Sherloc (09022015). Collection method: clinical testing. Allele origin: germline.
Comment: This variant is not present in population databases (gnomAD no frequency). For these reasons, this variant has been classified as Pathogenic. While functional studies for this variant have not been reported, experimental analyses using patient derived cells, as well as in vitro transfection studies, have shown that promoter insertions result in silencing of RMRP transcription and reduced expression of the gene product (PMID: 11207361, 16254002). While this particular variant has not been reported in the literature, it is located in the promoter region between the TATA box and the transcription initiation site, and other insertions and duplications immediately upstream of the coding sequence have been reported in individuals affected with cartilage-hair hypoplasia-anauxetic dysplasia (CHH-AD) spectrum disorders (PMID: 16244706, 11207361, 12107819). This variant occurs in the RMRP gene, which encodes an RNA molecule that does not result in a protein product.

Literature cited by the submitters: PubMed 11207361; PubMed 16254002; PubMed 16244706; PubMed 12107819.

NC_000009.12:g.35658029_35658030insGTCACAGAGCACGTCCTCAGC

Gene: RMRP (RNA component of mitochondrial RNA processing endoribonuclease; minus strand). Cytogenetic location: 9p13.3.
Variant type: Insertion.
Genome position: GRCh38 VCF-style: chr9-35658017-C-CCACGTCCTCAGCGTCACAGAG. GRCh37 (hg19) VCF-style: chr9-35658014-C-CCACGTCCTCAGCGTCACAGAG.
Identifiers: ClinVar variation 2715361 (VCV002715361.3), dbSNP rs2490602964, ClinGen allele CA2697557718.